The following is an entry in ClinVar:

ClinVar aggregate classification (germline): Likely benign. Review status: criteria provided, multiple submitters, no conflicts (2 of 4 stars). 2 submissions from 2 submitters: Likely benign (2). Last evaluated 2026-01-31.

Conditions:
TTN-related disorder. Also called: TTN-related condition; TTN-related disease; TTN-related disorders.
Autosomal recessive limb-girdle muscular dystrophy type 2J (LGMDR10). Also called: Limb-girdle muscular dystrophy, type 2J; MUSCULAR DYSTROPHY, LIMB-GIRDLE, AUTOSOMAL RECESSIVE 10. Identifiers: Orphanet 140922, MedGen C1837342, MONDO:0012127, OMIM 608807.
Dilated cardiomyopathy 1G (CMD1G). Identifiers: Orphanet 154, MedGen C1858763, MONDO:0011400, OMIM 604145.

Allele frequency attached by ClinVar (database versions not stated): gnomAD exomes 0.00002 and 0.00004; gnomAD 0.00003 and 0.00004; TOPMed 0.00003; ExAC 0.00005.
gnomAD v4.1: 29 of 1,607,224 alleles (0.0018%); highest among the groups gnomAD compares: African/African-American, 0.004%; no homozygotes.

Submissions (2):

Labcorp Genetics (formerly Invitae), Labcorp
Classification: Likely benign for Dilated cardiomyopathy 1G; Autosomal recessive limb-girdle muscular dystrophy type 2J. Last evaluated: 2026-01-31. Review status: criteria provided, single submitter. Criteria: Invitae Variant Classification Sherloc (09022015). Collection method: clinical testing. Allele origin: germline.

PreventionGenetics, part of Exact Sciences
Classification: Likely benign for TTN-related condition. Last evaluated: 2025-06-24. Review status: criteria provided, single submitter. Criteria: ACMG Guidelines, 2015. Collection method: clinical testing. Allele origin: germline.
Comment: This variant is classified as likely benign based on ACMG/AMP sequence variant interpretation guidelines (Richards et al. 2015 PMID: 25741868, with internal and published modifications).

NM_001267550.2(TTN):c.60921T>C (p.Tyr20307=)

Genes: TTN (titin; minus strand), TTN-AS1 (TTN antisense RNA 1; plus strand). Cytogenetic location: 2q31.2.
Variant type: single nucleotide variant.
Coding change: c.60921T>C on transcript NM_001267550.2 (MANE Select); coding-DNA position 60921, T replaced by C.
Protein change: p.Tyr20307=; no amino-acid change (tyrosine 20307 retained).
Molecular consequence: synonymous variant.
Genome position (GRCh38, 1-based): chr2:178,590,804, A>G on the plus strand (T>C on the coding strand, the complement: TTN is on the minus strand). VCF-style: chr2-178590804-A-G. GRCh37 (hg19) VCF-style: chr2-179455531-A-G.
Other names: c.55998T>C, p.Tyr18666= (NM_001256850.1); c.33726T>C, p.Tyr11242= (NM_003319.4); c.53217T>C, p.Tyr17739= (NM_133378.4); c.34101T>C, p.Tyr11367= (NM_133432.3); c.34302T>C, p.Tyr11434= (NM_133437.4).
Identifiers: ClinVar variation 701642 (VCV000701642.12), dbSNP rs765532912, ClinGen allele CA1992429.
Genomic context (GRCh38, chr2:178,590,804, plus strand): 5'-GTCAGCGATAGGTGTTTTGTTGACCCTCACCCATTTGCCAGTTACTTCTCGACGTTCCAT[A>G]TAGTAGCCAGTTATTGGACTGCCACCATCAGATTTTGGCAGGGTCCAAGACACTGTTGCT-3'
Protein context (NP_001254479.2, residues 20297-20317): SDGGSPITGY[Tyr20307=]MERREVTGKW